The following is an entry in ClinVar:

NM_004937.3(CTNS):c.444G>A (p.Met148Ile)

Genes: CTNS (cystinosin, lysosomal cystine transporter; plus strand), CTNS-AS1 (CTNS antisense RNA 1; minus strand). Cytogenetic location: 17p13.2.
Variant type: single nucleotide variant.
Coding change: c.444G>A on transcript NM_004937.3 (MANE Select); coding-DNA position 444, G replaced by A.
Protein change: p.Met148Ile; replaces methionine 148 with isoleucine.
Molecular consequence: missense variant. On other transcripts: initiator codon variant (4).
Genome position (GRCh38, 1-based): chr17:3,655,335, G>A. VCF-style: chr17-3655335-G-A. GRCh37 (hg19) VCF-style: chr17-3558629-G-A.
Other names: p.Met148Ile; c.444G>A, p.Met148Ile (NM_001031681.3, NM_001374492.1); c.3G>A, p.Met1Ile (NM_001374493.1, NM_001374494.1, NM_001374495.1 and 1 more transcripts); short protein forms M148I, M1I.
Identifiers: ClinVar variation 322840 (VCV000322840.55), dbSNP rs199977728, ClinGen allele CA8291713.
Genomic context (GRCh38, chr17:3,655,335, plus strand): 5'-GGTGATTGGCTGGATCTACTTTGTGGCCTGGTCCATCTCCTTCTACCCTCAGGTGATCAT[G>A]AATTGGAGGCGGAAAAGGTAACCCCCTGGGCCGTATGTGCAGGCTCTCTCGGGGCCCCTA-3'
Protein context (NP_004928.2, residues 138-158): WSISFYPQVI[Met148Ile]NWRRKSVIGL

ClinVar aggregate classification (germline): Conflicting classifications of pathogenicity. Review status: criteria provided, conflicting classifications (1 of 4 stars). 9 submissions from 8 submitters: Likely pathogenic (1); Uncertain significance (7); Likely benign (1). Last evaluated 2026-01-11.

Conditions:
Ocular cystinosis. Also called: Non-Nephropathic (Ocular) Cystinosis; Non-Nephropathic Cystinosis. Identifiers: Orphanet 213, Orphanet 411641, MedGen C2931013, MONDO:0009064, OMIM 219750.
Juvenile nephropathic cystinosis. Also called: Later-Onset (Juvenile) Cystinosis; Intermediate Cystinosis; CYSTINOSIS, LATE-ONSET JUVENILE OR ADOLESCENT NEPHROPATHIC TYPE. Identifiers: Orphanet 213, Orphanet 411634, MedGen C0268626, MONDO:0009066, OMIM 219900.
Inborn genetic diseases. Identifiers: MedGen C0950123, MeSH D030342.
Nephropathic cystinosis (CTNS). Also called: Abderhalden Lignac Kaufmann disease; Abderhalden-Kaufmann-Lignac syndrome; CYSTINOSIN, DEFECT OF; LYSOSOMAL CYSTINE TRANSPORT PROTEIN, DEFECT OF. Identifiers: Orphanet 213, Orphanet 411629, MedGen C2931187, MONDO:0100151, OMIM 219800.

Allele frequency attached by ClinVar (database versions not stated): TOPMed 0.00011; ESP Exome Variant Server 0.00015; gnomAD exomes 0.00020 and 0.00023; gnomAD 0.00021 and 0.00023; ExAC 0.00028.

Submissions (9):

Labcorp Genetics (formerly Invitae), Labcorp
Classification: Likely benign for Inborn genetic diseases; Ocular cystinosis; Juvenile nephropathic cystinosis. Last evaluated: 2026-01-11. Review status: criteria provided, single submitter. Criteria: Invitae Variant Classification Sherloc (09022015). Collection method: clinical testing. Allele origin: germline.

Women's Health and Genetics/Laboratory Corporation of America, LabCorp
Classification: Uncertain significance. Last evaluated: 2025-11-25. Review status: criteria provided, single submitter. Criteria: LabCorp Variant Classification Summary - May 2015. Collection method: clinical testing. Allele origin: germline.
Comment: Variant summary: CTNS c.444G>A (p.Met148Ile) results in a conservative amino acid change in the encoded protein sequence. Algorithms developed to predict the effect of missense changes on protein structure and function are either unavailable or do not agree on the potential impact of this missense change. The variant allele was found at a frequency of 0.00023 in 251490 control chromosomes. This frequency is not significantly higher than estimated for disease-causing variants in CTNS, allowing no conclusion about variant significance. To our knowledge, no occurrence of c.444G>A in individuals affected with CTNS-related conditions and no experimental evidence demonstrating its impact on protein function have been reported. ClinVar contains an entry for this variant (Variation ID: 322840). Based on the evidence outlined above, the variant was classified as uncertain significance.

Mayo Clinic Laboratories, Mayo Clinic
Classification: Uncertain significance. Last evaluated: 2025-11-23. Review status: criteria provided, single submitter. Criteria: ACMG Guidelines, 2015. Collection method: clinical testing. Allele origin: germline. Observed: 1 variant allele.

Fulgent Genetics
Classification: Uncertain significance for Ocular cystinosis; Nephropathic cystinosis; Juvenile nephropathic cystinosis. Last evaluated: 2024-05-09. Review status: criteria provided, single submitter. Criteria: ACMG Guidelines, 2015. Collection method: clinical testing. Allele origin: germline.

Laboratory of Medical Genetics, National & Kapodistrian University of Athens
Classification: Likely pathogenic for Nephropathic cystinosis. Last evaluated: 2024-02-01. Review status: criteria provided, single submitter. Criteria: ACMG Guidelines, 2015. Collection method: curation. Allele origin: germline. Affected: no.

Ambry Genetics
Classification: Uncertain significance for Inborn genetic diseases. Last evaluated: 2021-08-30. Review status: criteria provided, single submitter. Criteria: Ambry Variant Classification Scheme 2023. Collection method: clinical testing. Allele origin: germline.

CeGaT Center for Human Genetics Tuebingen
Classification: Uncertain significance. Last evaluated: 2018-07-01. Review status: criteria provided, single submitter. Criteria: CeGaT Center For Human Genetics Tuebingen Variant Classification Criteria Version 2. Collection method: clinical testing. Allele origin: germline. Affected: yes. Observed: 1 variant allele.

Illumina Laboratory Services, Illumina
Classification: Uncertain significance for Ocular cystinosis. Last evaluated: 2018-01-13. Review status: criteria provided, single submitter. Criteria: ICSL Variant Classification Criteria 13 December 2019. Collection method: clinical testing. Allele origin: germline.

Illumina Laboratory Services, Illumina
Classification: Uncertain significance for Nephropathic cystinosis. Last evaluated: 2018-01-13. Review status: criteria provided, single submitter. Criteria: ICSL Variant Classification Criteria 13 December 2019. Collection method: clinical testing. Allele origin: germline.